The following is an entry in ClinVar:

NM_013339.4(ALG6):c.347-13C>G

Gene: ALG6 (ALG6 alpha-1,3-glucosyltransferase; plus strand). Cytogenetic location: 1p31.3.
Variant type: single nucleotide variant.
Coding change: c.347-13C>G on transcript NM_013339.4 (MANE Select); 13 bases into the intron before coding-DNA position 347, C replaced by G.
Molecular consequence: intron variant.
Genome position (GRCh38, 1-based): chr1:63,406,304, C>G. VCF-style: chr1-63406304-C-G. GRCh37 (hg19) VCF-style: chr1-63871975-C-G.
Identifiers: ClinVar variation 1435350 (VCV001435350.9), dbSNP rs981893296, ClinGen allele CA23804582.
Genomic context (GRCh38, chr1:63,406,304, plus strand): 5'-GAAGGGAGGCAGTTAATGGGTAGCTGTAAATCCTGATGGACTCATGTTTAAAGTTATTTA[C>G]TTGTGTTTTCAGTTTTAATTGCTGATCTGCTGATTTACATACCTGCAGTGGTTTTGTACT-3'

ClinVar aggregate classification (germline): Uncertain significance. Review status: criteria provided, multiple submitters, no conflicts (2 of 4 stars). 2 submissions from 2 submitters: Uncertain significance (2). Last evaluated 2024-11-27.

Conditions:
ALG6-congenital disorder of glycosylation 1C (CDG1C). Also called: Congenital disorder of glycosylation type 1C; CDG Ic; Congenital disorder of glycosylation, type Ic; CARBOHYDRATE-DEFICIENT GLYCOPROTEIN SYNDROME, TYPE I, WITH DEFICIENT GLYCOSYLATION OF DOLICHOL-LINKED OLIGOSACCHARIDE; CARBOHYDRATE-DEFICIENT GLYCOPROTEIN SYNDROME, TYPE V. Identifiers: Orphanet 79320, MedGen C2930997, MONDO:0011291, OMIM 603147.

Allele frequency attached by ClinVar (database versions not stated): gnomAD exomes below 0.00001 and 0.00002; gnomAD 0.00002; TOPMed 0.00002.
gnomAD v4.1: 36 of 1,610,466 alleles (0.0022%); highest among the groups gnomAD compares: Non-Finnish European, 0.003%; no homozygotes.

Submissions (2):

Women's Health and Genetics/Laboratory Corporation of America, LabCorp
Classification: Uncertain significance. Last evaluated: 2024-11-27. Review status: criteria provided, single submitter. Criteria: LabCorp Variant Classification Summary - May 2015. Collection method: clinical testing. Allele origin: germline.
Comment: Variant summary: ALG6 c.347-13C>G alters a non-conserved nucleotide located at a position not widely known to affect splicing. Several computational tools predict a significant impact on normal splicing: Two predict the variant abolishes a canonical 3' acceptor site. Two predict the variant weakens this site. However, these predictions have yet to be confirmed by functional studies. The variant allele was found at a frequency of 4e-06 in 251064 control chromosomes (gnomAD). c.347-13C>G has been reported in the literature in individuals affected with Congenital Disorder Of Glycosylation Type 1C (Vuillaumier-Barrot_2005, Morava_2016). These data indicate that the variant may be associated with disease. To our knowledge, no experimental evidence demonstrating an impact on protein function has been reported. The following publications have been ascertained in the context of this evaluation (PMID: 15771971, 27287710). ClinVar contains an entry for this variant (Variation ID: 1435350). Based on the evidence outlined above, the variant was classified as VUS-possibly pathogenic.

Labcorp Genetics (formerly Invitae), Labcorp
Classification: Uncertain significance for ALG6-congenital disorder of glycosylation 1C. Last evaluated: 2024-02-24. Review status: criteria provided, single submitter. Criteria: Invitae Variant Classification Sherloc (09022015). Collection method: clinical testing. Allele origin: germline.
Comment: This sequence change falls in intron 5 of the ALG6 gene. It does not directly change the encoded amino acid sequence of the ALG6 protein. This variant is present in population databases (no rsID available, gnomAD 0.0009%). This variant has been observed in individual(s) with congenital disorder of glycosylation type 1c (PMID: 27287710). This variant is also known as c.347-13G>C. ClinVar contains an entry for this variant (Variation ID: 1435350). Algorithms developed to predict the effect of sequence changes on RNA splicing suggest that this variant may disrupt the consensus splice site. In summary, the available evidence is currently insufficient to determine the role of this variant in disease. Therefore, it has been classified as a Variant of Uncertain Significance.

Literature cited by the submitters: PubMed 27287710 (cited by Women's Health and Genetics/Laboratory Corporation of America, LabCorp and Labcorp Genetics (formerly Invitae), Labcorp); PubMed 15771971 (cited by Women's Health and Genetics/Laboratory Corporation of America, LabCorp).